The following is an entry in ClinVar:

ClinVar aggregate classification (germline): Uncertain significance (1 of 4 stars; one submission).

gnomAD v4.1: 3 of 1,613,926 alleles (0.00019%); highest among the groups gnomAD compares: Non-Finnish European, 0.00025%; no homozygotes.

Submission:

GeneDx
Classification: Uncertain significance. Last evaluated: 2025-01-24. Review status: criteria provided, single submitter. Criteria: GeneDx Variant Classification Process June 2021. Collection method: clinical testing. Allele origin: germline. Affected: yes.
Comment: Not observed at significant frequency in large population cohorts (gnomAD); In silico analysis indicates that this missense variant does not alter protein structure/function; Has not been previously published as pathogenic or benign to our knowledge

NM_016139.4(CHCHD2):c.440C>G (p.Ala147Gly)

Gene: CHCHD2 (coiled-coil-helix-coiled-coil-helix domain containing 2; minus strand). Cytogenetic location: 7p11.2.
Variant type: single nucleotide variant.
Coding change: c.440C>G on transcript NM_016139.4 (MANE Select); coding-DNA position 440, C replaced by G.
Protein change: p.Ala147Gly; replaces alanine 147 with glycine.
Molecular consequence: missense variant.
Genome position (GRCh38, 1-based): chr7:56,102,872, G>C on the plus strand (C>G on the coding strand, the complement: CHCHD2 is on the minus strand). VCF-style: chr7-56102872-G-C. GRCh37 (hg19) VCF-style: chr7-56170565-G-C.
Other names: c.440C>G, p.Ala147Gly (NM_001320327.2); short protein forms A147G.
Identifiers: ClinVar variation 4071810 (VCV004071810.1).